The following is an entry in ClinVar:

NM_032444.4(SLX4):c.2072G>A (p.Ser691Asn)

Gene: SLX4 (SLX4 structure-specific endonuclease subunit; minus strand). Cytogenetic location: 16p13.3.
Variant type: single nucleotide variant.
Coding change: c.2072G>A on transcript NM_032444.4 (MANE Select); coding-DNA position 2072, G replaced by A.
Protein change: p.Ser691Asn; replaces serine 691 with asparagine.
Molecular consequence: missense variant.
Genome position (GRCh38, 1-based): chr16:3,594,541, C>T on the plus strand (G>A on the coding strand, the complement: SLX4 is on the minus strand). VCF-style: chr16-3594541-C-T. GRCh37 (hg19) VCF-style: chr16-3644542-C-T.
Other names: short protein forms S691N.
Identifiers: ClinVar variation 1461969 (VCV001461969.8), dbSNP rs1596525216, ClinGen allele CA394526195.
Genomic context (GRCh38, chr16:3,594,541, plus strand): 5'-TAAAGCACGAACTTGTGGGCGTAAAGCACCTCCCCGCTGTCCGTCTGAAACTGGACATCA[C>T]TCAGGTGTGGGTTATTGACCATGGCGCCAAAGTCAGCAACCAGCAGCCCGAGGGAGAGCT-3'
Protein context (NP_115820.2, residues 681-701): FGAMVNNPHL[Ser691Asn]DVQFQTDSGE

ClinVar aggregate classification (germline): Uncertain significance (1 of 4 stars; one submission).

Conditions:
Fanconi anemia (FA). Also called: Fanconi's anemia. Identifiers: Orphanet 84, MedGen C0015625, MeSH D005199, MONDO:0019391.

Allele frequency attached by ClinVar (database versions not stated): gnomAD exomes 0.00001.
gnomAD v4.1: 6 of 1,614,156 alleles (0.00037%); highest among the groups gnomAD compares: East Asian, 0.013%; no homozygotes.

Submission:

Labcorp Genetics (formerly Invitae), Labcorp
Classification: Uncertain significance for Fanconi anemia. Last evaluated: 2023-08-10. Review status: criteria provided, single submitter. Criteria: Invitae Variant Classification Sherloc (09022015). Collection method: clinical testing. Allele origin: germline.
Comment: This sequence change replaces serine, which is neutral and polar, with asparagine, which is neutral and polar, at codon 691 of the SLX4 protein (p.Ser691Asn). In summary, the available evidence is currently insufficient to determine the role of this variant in disease. Therefore, it has been classified as a Variant of Uncertain Significance. Algorithms developed to predict the effect of sequence changes on RNA splicing suggest that this variant may create or strengthen a splice site. An algorithm developed to predict the effect of missense changes on protein structure and function (PolyPhen-2) suggests that this variant is likely to be disruptive. ClinVar contains an entry for this variant (Variation ID: 1461969). This variant has not been reported in the literature in individuals affected with SLX4-related conditions. This variant is not present in population databases (gnomAD no frequency).